The following is an entry in ClinVar:

ClinVar aggregate classification (germline): Conflicting classifications of pathogenicity. Review status: criteria provided, conflicting classifications (1 of 4 stars). 11 submissions from 11 submitters: Likely pathogenic (1); Uncertain significance (9). 1 of the submissions does not count toward it. Last evaluated 2026-03-03.

Conditions:
Retinal dystrophy. Also called: Inherited retinal dystrophy. Identifiers: Orphanet 71862, MedGen C0854723, MeSH D058499, MONDO:0019118, HP:0000556.
Intellectual disability. Also called: intellectual disabilities; Intellectual functioning disability; Intellectual developmental disorder. Identifiers: MedGen C3714756, MeSH D008607, MONDO:0001071, HP:0001249.
Jeune thoracic dystrophy. Also called: Jeune syndrome; Infantile thoracic dystrophy; Thoracic pelvic phalangeal dystrophy; Jeune's syndrome; Chondroectodermal dysplasia-like syndrome; Short-rib thoracic dysplasia. Identifiers: Orphanet 474, MedGen C0265275, MONDO:0018770.
Asphyxiating thoracic dystrophy 3. Also called: SHORT-RIB THORACIC DYSPLASIA 3 WITH OR WITHOUT POLYDACTYLY; POLYDACTYLY WITH NEONATAL CHONDRODYSTROPHY, TYPE I; SHORT-RIB THORACIC DYSPLASIA 3/6 WITH POLYDACTYLY, DIGENIC; Short rib polydactyly syndrome 2B; Saldino-Noonan Syndrome. Identifiers: Orphanet 474, Orphanet 93269, Orphanet 93270, Orphanet 93271, MedGen C0036069, MONDO:0013127, OMIM 613091.

Allele frequency attached by ClinVar (database versions not stated): gnomAD exomes 0.00022; ExAC 0.00026; TOPMed 0.00039; gnomAD 0.00053 and 0.00055; 1000 Genomes Project 30x 0.00016; ESP Exome Variant Server 0.00017.
gnomAD v4.1: 473 of 1,567,584 alleles (0.03%); highest among the groups gnomAD compares: Middle Eastern, 0.19%; 1 homozygote.

Submissions (11):

Women's Health and Genetics/Laboratory Corporation of America, LabCorp
Classification: Uncertain significance. Last evaluated: 2026-03-03. Review status: criteria provided, single submitter. Criteria: LabCorp Variant Classification Summary - May 2015. Collection method: clinical testing. Allele origin: germline.
Comment: Variant summary: DYNC2H1 c.1288C>T (p.Arg430Cys) results in a non-conservative amino acid change in the encoded protein sequence. Algorithms developed to predict the effect of missense changes on protein structure and function are either unavailable or do not agree on the potential impact of this missense change. The variant allele was found at a frequency of 0.00022 in 217706 control chromosomes. This frequency is not significantly higher than estimated for disease-causing variants in DYNC2H1, allowing no conclusion about variant significance. c.1288C>T has been observed in an individual affected with Short-rib polydactyly with another variant in cis and one in trans (El Hokayem_2012), as well as in a compound heterozygous individual affected with polycystic kidney dysplasia with polydactyly (Liang_2020). These reports do not provide unequivocal conclusions about association of the variant with Short-rib thoracic dysplasia. To our knowledge, no experimental evidence demonstrating an impact on protein function has been reported. The following publications have been ascertained in the context of this evaluation (PMID: 26489029, 22499340, 31730820, 37432431). ClinVar contains an entry for this variant (Variation ID: 426435). Based on the evidence outlined above, the variant was classified as uncertain significance.

Institute of Human Genetics, University of Leipzig Medical Center
Classification: Uncertain significance for Asphyxiating thoracic dystrophy 3. Last evaluated: 2025-08-18. Review status: criteria provided, single submitter. Criteria: ACMG Guidelines, 2015. Collection method: clinical testing. Allele origin: unknown. Inheritance: Autosomal recessive inheritance. Affected: yes.
Comment: Criteria applied: PM3,PM5,PP3; Identified as compund heterozygous with NM_001080463.2:c.1856A>G

GeneDx
Classification: Uncertain significance. Last evaluated: 2025-07-15. Review status: criteria provided, single submitter. Criteria: GeneDx Variant Classification Process June 2021. Collection method: clinical testing. Allele origin: germline. Affected: yes.
Comment: In silico analysis supports that this missense variant has a deleterious effect on protein structure/function; This variant is associated with the following publications: (PMID: 34426522, 31730820, 38978874, 37432431, 22499340)

Blueprint Genetics
Classification: Uncertain significance. Last evaluated: 2024-11-08. Review status: criteria provided, single submitter. Criteria: ACMG Guidelines, 2015. Collection method: clinical testing. Allele origin: germline.

Institute of Human Genetics, Univ. Regensburg, Univ. Regensburg
Classification: Uncertain significance for Retinal dystrophy. Last evaluated: 2023-01-01. Review status: criteria provided, single submitter. Criteria: ACMG Guidelines, 2015. Collection method: clinical testing. Allele origin: germline. Affected: yes.

Labcorp Genetics (formerly Invitae), Labcorp
Classification: Uncertain significance for Jeune thoracic dystrophy. Last evaluated: 2022-08-16. Review status: criteria provided, single submitter. Criteria: Invitae Variant Classification Sherloc (09022015). Collection method: clinical testing. Allele origin: germline.
Comment: This sequence change replaces arginine, which is basic and polar, with cysteine, which is neutral and slightly polar, at codon 430 of the DYNC2H1 protein (p.Arg430Cys). This variant is present in population databases (rs374073337, gnomAD 0.03%). This missense change has been observed in individual(s) with short-rib polydactyly syndrome (PMID: 22499340). ClinVar contains an entry for this variant (Variation ID: 426435). Algorithms developed to predict the effect of missense changes on protein structure and function (SIFT, PolyPhen-2, Align-GVGD) all suggest that this variant is likely to be disruptive. In summary, the available evidence is currently insufficient to determine the role of this variant in disease. Therefore, it has been classified as a Variant of Uncertain Significance.

ARUP Laboratories, Molecular Genetics and Genomics, ARUP Laboratories
Classification: Uncertain significance for Asphyxiating thoracic dystrophy 3. Last evaluated: 2021-10-08. Review status: criteria provided, single submitter. Criteria: ARUP Molecular Germline Variant Investigation Process 2021. Collection method: clinical testing. Allele origin: germline.
Comment: The DYNC2H1 c.1288C>T; p.Arg430Cys variant (rs374073337) is reported in the literature an individual affected with short rib polydactyly type II in cis with a second variant and in trans with a third pathogenic variant (El Hokayem 2012). In addition, this variant was found in one individual with kidney dysplasia, cerebellar hypoplasia and polydactyly in trans with a pathogenic variant (Liang 2020). This variant is found in the general population with an overall allele frequency of 0.02% (52/248810 alleles) in the Genome Aggregation Database. The arginine at codon 430 is highly conserved, but computational analyses are uncertain whether this variant is neutral or deleterious (REVEL: 0.534). However, given the lack of clinical and functional data, the significance of the p.Arg430Cys variant is uncertain at this time. References: El Hokayem J et al. NEK1 and DYNC2H1 are both involved in short rib polydactyly Majewski type but not in Beemer Langer cases. J Med Genet. 2012 Apr;49(4):227-33. PMID: 22499340. Liang N et al. 28 novel mutations identified from 33 Chinese patients with cilia-related kidney disorders. Clin Chim Acta. 2020 Feb;501:207-215. PMID: 31730820.

Department of Pathology and Laboratory Medicine, Sinai Health System
Classification: Uncertain significance for asphyxiating thoracic dystrophy 3. Last evaluated: 2021-07-30. Review status: criteria provided, single submitter. Criteria: ACMG Guidelines, 2015. Collection method: research. Allele origin: germline.

CeGaT Center for Human Genetics Tuebingen
Classification: Uncertain significance. Last evaluated: 2018-11-01. Review status: criteria provided, single submitter. Criteria: CeGaT Center For Human Genetics Tuebingen Variant Classification Criteria Version 2. Collection method: clinical testing. Allele origin: germline. Affected: yes. Observed: 2 variant alleles.

Kariminejad - Najmabadi Pathology & Genetics Center
Classification: Likely pathogenic for Asphyxiating thoracic dystrophy 3. Review status: criteria provided, single submitter. Criteria: ACMG Guidelines, 2015. Collection method: clinical testing. Allele origin: germline. Affected: no.

Centre de Biologie Pathologie Génétique, Centre Hospitalier Universitaire de Lille
Classification: Uncertain significance for Intellectual disability. Last evaluated: 2019-01-01. Review status: no assertion criteria provided. Collection method: clinical testing. Allele origin: unknown. Affected: yes. Not counted in ClinVar's aggregate classification.

Literature cited by the submitters: PubMed 26489029 (cited by Women's Health and Genetics/Laboratory Corporation of America, LabCorp); PubMed 31730820 (cited by Women's Health and Genetics/Laboratory Corporation of America, LabCorp and Institute of Human Genetics, Univ. Regensburg, Univ. Regensburg); PubMed 22499340 (cited by 3 submitters); PubMed 37432431 (cited by Women's Health and Genetics/Laboratory Corporation of America, LabCorp); PubMed 34426522 (cited by Institute of Human Genetics, Univ. Regensburg, Univ. Regensburg).

NM_001377.3(DYNC2H1):c.1288C>T (p.Arg430Cys)

Gene: DYNC2H1 (dynein cytoplasmic 2 heavy chain 1; plus strand). Cytogenetic location: 11q22.3.
Variant type: single nucleotide variant.
Coding change: c.1288C>T on transcript NM_001377.3 (MANE Select); coding-DNA position 1288, C replaced by T.
Protein change: p.Arg430Cys; replaces arginine 430 with cysteine.
Molecular consequence: missense variant.
Genome position (GRCh38, 1-based): chr11:103,120,964, C>T. VCF-style: chr11-103120964-C-T. GRCh37 (hg19) VCF-style: chr11-102991693-C-T.
Other names: c.1288C>T, p.Arg430Cys (NM_001080463.2); short protein forms R430C.
Identifiers: ClinVar variation 426435 (VCV000426435.64), dbSNP rs374073337, ClinGen allele CA6252732.